The following is an entry in ClinVar:

ClinVar aggregate classification (germline): Uncertain significance. Review status: criteria provided, multiple submitters, no conflicts (2 of 4 stars). 2 submissions from 2 submitters: Uncertain significance (2). Last evaluated 2023-12-18.

Conditions:
Emery-Dreifuss muscular dystrophy 5, autosomal dominant (EDMD5). Also called: EMERY-DREIFUSS MUSCULAR DYSTROPHY 5. Identifiers: Orphanet 261, MedGen C2751805, MONDO:0013072, OMIM 612999.

Allele frequency attached by ClinVar (database versions not stated): gnomAD 0.00001; gnomAD exomes 0.00002.
gnomAD v4.1: 30 of 1,614,080 alleles (0.0019%); highest among the groups gnomAD compares: Non-Finnish European, 0.0025%; no homozygotes.

Submissions (2):

Ambry Genetics
Classification: Uncertain significance. Last evaluated: 2023-12-18. Review status: criteria provided, single submitter. Criteria: Ambry Variant Classification Scheme 2023. Collection method: clinical testing. Allele origin: germline.

Labcorp Genetics (formerly Invitae), Labcorp
Classification: Uncertain significance for Emery-Dreifuss muscular dystrophy 5, autosomal dominant. Last evaluated: 2021-12-10. Review status: criteria provided, single submitter. Criteria: Invitae Variant Classification Sherloc (09022015). Collection method: clinical testing. Allele origin: germline.
Comment: This sequence change replaces threonine, which is neutral and polar, with alanine, which is neutral and non-polar, at codon 3797 of the SYNE2 protein (p.Thr3797Ala). This variant is not present in population databases (gnomAD no frequency). This variant has not been reported in the literature in individuals affected with SYNE2-related conditions. Algorithms developed to predict the effect of missense changes on protein structure and function are either unavailable or do not agree on the potential impact of this missense change (SIFT: "Tolerated"; PolyPhen-2: "Possibly Damaging"; Align-GVGD: "Class C0"). In summary, the available evidence is currently insufficient to determine the role of this variant in disease. Therefore, it has been classified as a Variant of Uncertain Significance.

NM_182914.3(SYNE2):c.11389A>G (p.Thr3797Ala)

Gene: SYNE2 (spectrin repeat containing nuclear envelope protein 2; plus strand). Cytogenetic location: 14q23.2.
Variant type: single nucleotide variant.
Coding change: c.11389A>G on transcript NM_182914.3 (MANE Select); coding-DNA position 11389, A replaced by G.
Protein change: p.Thr3797Ala; replaces threonine 3797 with alanine.
Molecular consequence: missense variant.
Genome position (GRCh38, 1-based): chr14:64,081,485, A>G. VCF-style: chr14-64081485-A-G. GRCh37 (hg19) VCF-style: chr14-64548203-A-G.
Other names: c.11389A>G, p.Thr3797Ala (NM_015180.6); c.11389A>G (NM_182914.2); short protein forms T3797A.
Identifiers: ClinVar variation 1385650 (VCV001385650.7), dbSNP rs1323998717, ClinGen allele CA389942458.